The following is an entry in ClinVar:

ClinVar aggregate classification (germline): Likely benign (1 of 4 stars; one submission).

gnomAD v4.1: 509 of 1,577,466 alleles (0.032%); highest among the groups gnomAD compares: Non-Finnish European, 0.042%; no homozygotes.

Submission:

CeGaT Center for Human Genetics Tuebingen
Classification: Likely benign. Last evaluated: 2026-09-01. Review status: criteria provided, single submitter. Criteria: CeGaT Center For Human Genetics Tuebingen Variant Classification Criteria Version 2. Collection method: clinical testing. Allele origin: germline. Affected: yes. Observed: 1 variant allele.
Comment: SNAPC4: BP4, BP7

NM_003086.4(SNAPC4):c.3768G>A (p.Lys1256=)

Gene: SNAPC4 (small nuclear RNA activating complex polypeptide 4; minus strand). Cytogenetic location: 9q34.3.
Variant type: single nucleotide variant.
Coding change: c.3768G>A on transcript NM_003086.4 (MANE Select); coding-DNA position 3768, G replaced by A.
Protein change: p.Lys1256=; no amino-acid change (lysine 1256 retained).
Molecular consequence: synonymous variant.
Genome position (GRCh38, 1-based): chr9:136,378,059, C>T on the plus strand (G>A on the coding strand, the complement: SNAPC4 is on the minus strand). VCF-style: chr9-136378059-C-T. GRCh37 (hg19) VCF-style: chr9-139272511-C-T.
Other names: c.3768G>A, p.Lys1256= (NM_001394201.1); c.3684G>A, p.Lys1228= (NM_001394202.1, NM_001394203.1).
Identifiers: ClinVar variation 5040812 (VCV005040812.1).